The following is an entry in ClinVar:

NM_021098.3(CACNA1H):c.803+187C>G

Gene: CACNA1H (calcium voltage-gated channel subunit alpha1 H; plus strand). Cytogenetic location: 16p13.3.
Variant type: single nucleotide variant.
Coding change: c.803+187C>G on transcript NM_021098.3 (MANE Select); 187 bases into the intron after coding-DNA position 803, C replaced by G.
Molecular consequence: intron variant.
Genome position (GRCh38, 1-based): chr16:1,198,961, C>G. VCF-style: chr16-1198961-C-G. GRCh37 (hg19) VCF-style: chr16-1248961-C-G.
Other names: c.803+187C>G (NM_001005407.2).
Identifiers: ClinVar variation 1683837 (VCV001683837.2), dbSNP rs183628037, ClinGen allele CA276643012.

ClinVar aggregate classification (germline): Likely benign (1 of 4 stars; one submission).

Allele frequency attached by ClinVar (database versions not stated): 1000 Genomes Project 0.00359; TOPMed 0.00402.
gnomAD v4.1: 655 of 587,974 alleles (0.11%); highest among the groups gnomAD compares: African/African-American, 1.1%; 4 homozygotes.

Submission:

GeneDx
Classification: Likely benign. Last evaluated: 2021-10-27. Review status: criteria provided, single submitter. Criteria: GeneDx Variant Classification Process June 2021. Collection method: clinical testing. Allele origin: germline. Affected: yes.
Comment: See Variant Classification Assertion Criteria.